The following is an entry in ClinVar:

NM_000701.8(ATP1A1):c.1574G>A (p.Gly525Asp)

Genes: ATP1A1 (ATPase Na+/K+ transporting subunit alpha 1; plus strand), ATP1A1-AS1 (ATP1A1 antisense RNA 1; minus strand). Cytogenetic location: 1p13.1.
Variant type: single nucleotide variant.
Coding change: c.1574G>A on transcript NM_000701.8 (MANE Select); coding-DNA position 1574, G replaced by A.
Protein change: p.Gly525Asp; replaces glycine 525 with aspartic acid.
Molecular consequence: missense variant.
Genome position (GRCh38, 1-based): chr1:116,393,637, G>A. VCF-style: chr1-116393637-G-A. GRCh37 (hg19) VCF-style: chr1-116936259-G-A.
Other names: c.1574G>A, p.Gly525Asp (NM_001160233.2); c.1481G>A, p.Gly494Asp (NM_001160234.2); short protein forms G494D, G525D.
Identifiers: ClinVar variation 1427033 (VCV001427033.6), dbSNP rs2101052117, ClinGen allele CA341771115.

ClinVar aggregate classification (germline): Uncertain significance (1 of 4 stars; one submission).

Submission:

Labcorp Genetics (formerly Invitae), Labcorp
Classification: Uncertain significance. Last evaluated: 2022-07-19. Review status: criteria provided, single submitter. Criteria: Invitae Variant Classification Sherloc (09022015). Collection method: clinical testing. Allele origin: germline.
Comment: In summary, the available evidence is currently insufficient to determine the role of this variant in disease. Therefore, it has been classified as a Variant of Uncertain Significance. Algorithms developed to predict the effect of missense changes on protein structure and function are either unavailable or do not agree on the potential impact of this missense change (SIFT: "Deleterious"; PolyPhen-2: "Probably Damaging"; Align-GVGD: "Class C0"). ClinVar contains an entry for this variant (Variation ID: 1427033). This variant has not been reported in the literature in individuals affected with ATP1A1-related conditions. This variant is not present in population databases (gnomAD no frequency). This sequence change replaces glycine, which is neutral and non-polar, with aspartic acid, which is acidic and polar, at codon 525 of the ATP1A1 protein (p.Gly525Asp).